The following is an entry in ClinVar:

NM_005045.4(RELN):c.2171A>G (p.His724Arg)

Gene: RELN (reelin; minus strand). Cytogenetic location: 7q22.1.
Variant type: single nucleotide variant.
Coding change: c.2171A>G on transcript NM_005045.4 (MANE Select); coding-DNA position 2171, A replaced by G.
Protein change: p.His724Arg; replaces histidine 724 with arginine.
Molecular consequence: missense variant.
Genome position (GRCh38, 1-based): chr7:103,636,367, T>C on the plus strand (A>G on the coding strand, the complement: RELN is on the minus strand). VCF-style: chr7-103636367-T-C. GRCh37 (hg19) VCF-style: chr7-103276814-T-C.
Other names: c.2171A>G, p.His724Arg (NM_173054.3); short protein forms H724R.
Identifiers: ClinVar variation 1040002 (VCV001040002.8), dbSNP rs746516208, ClinGen allele CA4422058.
Genomic context (GRCh38, chr7:103,636,367, plus strand): 5'-CCACTGGCCAAGACACCACAACCAAAGCTGACTTCAGCACCACGGATAGAGTAAAAGTTA[T>C]GGTAAGAGGAGAGCCTGGAACTGCCAAAGCTTTCAGAAATAAACATTGGGAATGTCTGGG-3'
Protein context (NP_005036.2, residues 714-734): SFGSSRLSSY[His724Arg]NFYSIRGAEV

ClinVar aggregate classification (germline): Uncertain significance (1 of 4 stars; one submission).

Conditions:
Norman-Roberts syndrome (LIS2). Also called: Lissencephaly 2 (Norman-Roberts type). Identifiers: Orphanet 89844, MedGen C0796089, MONDO:0009760, OMIM 257320.
Familial temporal lobe epilepsy 7. Identifiers: Orphanet 101046, MedGen C4225327, MONDO:0014639, OMIM 616436.

Allele frequency attached by ClinVar (database versions not stated): gnomAD exomes below 0.00001 and 0.00001; gnomAD 0.00001; TOPMed 0.00001; ExAC 0.00002.
gnomAD v4.1: 13 of 1,613,736 alleles (0.00081%); highest among the groups gnomAD compares: East Asian, 0.0022%; no homozygotes.

Submission:

Labcorp Genetics (formerly Invitae), Labcorp
Classification: Uncertain significance for Familial temporal lobe epilepsy 7; Norman-Roberts syndrome. Last evaluated: 2024-11-16. Review status: criteria provided, single submitter. Criteria: Invitae Variant Classification Sherloc (09022015). Collection method: clinical testing. Allele origin: germline.
Comment: This sequence change replaces histidine, which is basic and polar, with arginine, which is basic and polar, at codon 724 of the RELN protein (p.His724Arg). This variant is present in population databases (rs746516208, gnomAD 0.003%). This variant has not been reported in the literature in individuals affected with RELN-related conditions. ClinVar contains an entry for this variant (Variation ID: 1040002). Invitae Evidence Modeling of protein sequence and biophysical properties (such as structural, functional, and spatial information, amino acid conservation, physicochemical variation, residue mobility, and thermodynamic stability) indicates that this missense variant is not expected to disrupt RELN protein function with a negative predictive value of 80%. In summary, the available evidence is currently insufficient to determine the role of this variant in disease. Therefore, it has been classified as a Variant of Uncertain Significance.